The following is an entry in ClinVar:

ClinVar aggregate classification (germline): Uncertain significance (1 of 4 stars; one submission).

gnomAD v4.1: 13 of 1,612,908 alleles (0.00081%); highest among the groups gnomAD compares: Non-Finnish European, 0.0011%; no homozygotes.

Submission:

GeneDx
Classification: Uncertain significance. Last evaluated: 2024-12-26. Review status: criteria provided, single submitter. Criteria: GeneDx Variant Classification Process June 2021. Collection method: clinical testing. Allele origin: germline. Affected: yes.
Comment: Not observed at significant frequency in large population cohorts (gnomAD); In silico analysis supports that this missense variant has a deleterious effect on protein structure/function; Has not been previously published as pathogenic or benign to our knowledge

NM_017617.5(NOTCH1):c.2743C>T (p.Pro915Ser)

Gene: NOTCH1 (notch receptor 1; minus strand). Cytogenetic location: 9q34.3.
Variant type: single nucleotide variant.
Coding change: c.2743C>T on transcript NM_017617.5 (MANE Select); coding-DNA position 2743, C replaced by T.
Protein change: p.Pro915Ser; replaces proline 915 with serine.
Molecular consequence: missense variant.
Genome position (GRCh38, 1-based): chr9:136,509,959, G>A on the plus strand (C>T on the coding strand, the complement: NOTCH1 is on the minus strand). VCF-style: chr9-136509959-G-A. GRCh37 (hg19) VCF-style: chr9-139404411-G-A.
Other names: short protein forms P915S.
Identifiers: ClinVar variation 1311033 (VCV001311033.4), dbSNP rs878855024, ClinGen allele CA375554727.